The following is an entry in ClinVar:

ClinVar aggregate classification (germline): Likely pathogenic (1 of 4 stars; one submission).

Conditions:
Familial hypokalemia-hypomagnesemia (GTLMNS). Also called: POTASSIUM AND MAGNESIUM DEPLETION; HYPOMAGNESEMIA-HYPOKALEMIA, PRIMARY RENOTUBULAR, WITH HYPOCALCIURIA; gitelman syndrome. Identifiers: Orphanet 358, MedGen C0268450, MONDO:0009904, OMIM 263800.

Submission:

Natera, Inc.
Classification: Likely pathogenic for Gitelman syndrome. Last evaluated: 2025-12-30. Review status: criteria provided, single submitter. Criteria: Natera Variant Classification Schema (03/2026). Collection method: clinical testing. Allele origin: germline.
Comment: The c.601+2T>C variant in SLC12A3 is a canonical splice donor site variant predicted to affect pre-mRNA splicing, which may result in an abnormal transcript and altered protein product. This variant is expected to result in nonsense mediated decay, truncation, or a dysfunctional protein product. This variant is rare in the general population with a frequency below the threshold expected for the associated phenotype(s). Given the available evidence, this variant is classified as Likely Pathogenic.

NM_001126108.2(SLC12A3):c.601+2T>C

Gene: SLC12A3 (solute carrier family 12 member 3; plus strand). Cytogenetic location: 16q13.
Variant type: single nucleotide variant.
Coding change: c.601+2T>C on transcript NM_001126108.2 (MANE Select); the canonical splice donor site of the intron after coding-DNA position 601, T replaced by C.
Molecular consequence: splice donor variant.
Genome position (GRCh38, 1-based): chr16:56,869,826, T>C. VCF-style: chr16-56869826-T-C. GRCh37 (hg19) VCF-style: chr16-56903738-T-C.
Other names: c.601+2T>C (NM_000339.3); c.598+2T>C (NM_001126107.2, NM_001410896.1).
Identifiers: ClinVar variation 4818215 (VCV004818215.1).